The following is an entry in ClinVar:

ClinVar aggregate classification (germline): Uncertain significance (1 of 4 stars; one submission).

Conditions:
Holoprosencephaly 11 (HPE11). Identifiers: Orphanet 2162, MedGen C3280215, MONDO:0013642, OMIM 614226.

Allele frequency attached by ClinVar (database versions not stated): gnomAD 0.00001; TOPMed 0.00002; gnomAD exomes 0.00001 and 0.00004; ExAC 0.00002.
gnomAD v4.1: 15 of 1,614,022 alleles (0.00093%); highest among the groups gnomAD compares: Admixed American, 0.022%; no homozygotes.

Submission:

Labcorp Genetics (formerly Invitae), Labcorp
Classification: Uncertain significance for Holoprosencephaly 11. Last evaluated: 2024-01-26. Review status: criteria provided, single submitter. Criteria: Invitae Variant Classification Sherloc (09022015). Collection method: clinical testing. Allele origin: germline.
Comment: This sequence change replaces asparagine, which is neutral and polar, with serine, which is neutral and polar, at codon 294 of the CDON protein (p.Asn294Ser). This variant is present in population databases (rs749949944, gnomAD 0.03%). This variant has not been reported in the literature in individuals affected with CDON-related conditions. ClinVar contains an entry for this variant (Variation ID: 539749). Advanced modeling of protein sequence and biophysical properties (such as structural, functional, and spatial information, amino acid conservation, physicochemical variation, residue mobility, and thermodynamic stability) performed at Invitae indicates that this missense variant is not expected to disrupt CDON protein function with a negative predictive value of 80%. In summary, the available evidence is currently insufficient to determine the role of this variant in disease. Therefore, it has been classified as a Variant of Uncertain Significance.

NM_001378964.1(CDON):c.881A>G (p.Asn294Ser)

Gene: CDON (cell adhesion associated, oncogene regulated; minus strand). Cytogenetic location: 11q24.2.
Variant type: single nucleotide variant.
Coding change: c.881A>G on transcript NM_001378964.1 (MANE Select); coding-DNA position 881, A replaced by G.
Protein change: p.Asn294Ser; replaces asparagine 294 with serine.
Molecular consequence: missense variant.
Genome position (GRCh38, 1-based): chr11:126,017,135, T>C on the plus strand (A>G on the coding strand, the complement: CDON is on the minus strand). VCF-style: chr11-126017135-T-C. GRCh37 (hg19) VCF-style: chr11-125887030-T-C.
Other names: c.881A>G, p.Asn294Ser (NM_001243597.3, NM_016952.6); short protein forms N294S.
Identifiers: ClinVar variation 539749 (VCV000539749.8), dbSNP rs749949944, ClinGen allele CA6352224.